The following is an entry in ClinVar:

ClinVar aggregate classification (germline): Uncertain significance (1 of 4 stars; one submission).

gnomAD v4.1: 2 of 1,612,688 alleles (0.00012%); highest among the groups gnomAD compares: Non-Finnish European, 0.00017%; no homozygotes.

Submission:

Labcorp Genetics (formerly Invitae), Labcorp
Classification: Uncertain significance. Last evaluated: 2025-12-23. Review status: criteria provided, single submitter. Criteria: Invitae Variant Classification Sherloc (09022015). Collection method: clinical testing. Allele origin: germline.
Comment: This sequence change replaces alanine, which is neutral and non-polar, with threonine, which is neutral and polar, at codon 741 of the C3 protein (p.Ala741Thr). This variant is not present in population databases (gnomAD no frequency). This variant has not been reported in the literature in individuals affected with C3-related conditions. Invitae Evidence Modeling of protein sequence and biophysical properties (such as structural, functional, and spatial information, amino acid conservation, physicochemical variation, residue mobility, and thermodynamic stability) indicates that this missense variant is not expected to disrupt C3 protein function with a negative predictive value of 80%. In summary, the available evidence is currently insufficient to determine the role of this variant in disease. Therefore, it has been classified as a Variant of Uncertain Significance.

NM_000064.4(C3):c.2221G>A (p.Ala741Thr)

Gene: C3 (complement C3; minus strand). Cytogenetic location: 19p13.3.
Variant type: single nucleotide variant.
Coding change: c.2221G>A on transcript NM_000064.4 (MANE Select); coding-DNA position 2221, G replaced by A.
Protein change: p.Ala741Thr; replaces alanine 741 with threonine.
Molecular consequence: missense variant.
Genome position (GRCh38, 1-based): chr19:6,707,100, C>T on the plus strand (G>A on the coding strand, the complement: C3 is on the minus strand). VCF-style: chr19-6707100-C-T. GRCh37 (hg19) VCF-style: chr19-6707111-C-T.
Other names: short protein forms A741T.
Identifiers: ClinVar variation 4809516 (VCV004809516.1).